The following is an entry in ClinVar:

ClinVar aggregate classification (germline): Uncertain significance (1 of 4 stars; one submission).

Conditions:
Dyskeratosis congenita, autosomal dominant 1 (DKCA1). Also called: Dyskeratosis congenita Scoggins type. Identifiers: Orphanet 1775, MedGen C4551974, MONDO:0007485, OMIM 127550. Inheritance: Variable.

Submission:

Labcorp Genetics (formerly Invitae), Labcorp
Classification: Uncertain significance for Dyskeratosis congenita, autosomal dominant 1. Last evaluated: 2023-04-30. Review status: criteria provided, single submitter. Criteria: Invitae Variant Classification Sherloc (09022015). Collection method: clinical testing. Allele origin: germline.
Comment: This variant occurs in the TERC gene, which encodes an RNA molecule that does not result in a protein product. This variant is not present in population databases (gnomAD no frequency). This variant has not been reported in the literature in individuals affected with TERC-related conditions. This variant is located within the conserved regions 4 and 5 (CR4-CR5) domain of the TERC RNA component, which is required for telomerase activity (PMID: 15082312, 21844345). In summary, the available evidence is currently insufficient to determine the role of this variant in disease. Therefore, it has been classified as a Variant of Uncertain Significance.

Literature cited by the submitters: PubMed 15082312; PubMed 21844345.

NC_000003.12:g.169764800A>C

Genes: TERC (telomerase RNA component; minus strand), LOC110806306 (telomerase RNA component (TERC) promoter; plus strand). Cytogenetic location: 3q26.2.
Variant type: single nucleotide variant.
Genome position: GRCh38 VCF-style: chr3-169764800-A-C. GRCh37 (hg19) VCF-style: chr3-169482588-A-C.
Identifiers: ClinVar variation 2860949 (VCV002860949.3), dbSNP rs2108183010, ClinGen allele CA436715241.
Genomic context (GRCh38, chr3:169,764,800, plus strand): 5'-GGCTGACAGAGCCCAACTCTTCGCGGTGGCAGTGGGTGCCTCCGGAGAAGCCCCGGGCCG[A>C]CCGCGGCCTCCAGGCGGGGTTCGGGGGCTGGGCAGGCGACCCGCCGCAGGTCCCCGGGAG-3'